The following is an entry in ClinVar:

NM_001130965.3(SUN1):c.1160C>A (p.Thr387Asn)

Gene: SUN1 (Sad1 and UNC84 domain containing 1; plus strand). Cytogenetic location: 7p22.3.
Variant type: single nucleotide variant.
Coding change: c.1160C>A on transcript NM_001130965.3 (MANE Select); coding-DNA position 1160, C replaced by A.
Protein change: p.Thr387Asn; replaces threonine 387 with asparagine.
Molecular consequence: missense variant. On other transcripts: non-coding transcript variant (3).
Genome position (GRCh38, 1-based): chr7:853,515, C>A. VCF-style: chr7-853515-C-A. GRCh37 (hg19) VCF-style: chr7-893152-C-A.
Other names: c.1157C>A, p.Thr386Asn (NM_001367665.1, NM_001367694.1); c.1403C>A, p.Thr468Asn (NM_001367666.1, NM_001367655.1); c.1121C>A, p.Thr374Asn (NM_001367667.1, NM_001367689.1, NM_001367645.1); c.1202C>A, p.Thr401Asn (NM_001367668.1, NM_001367647.1); c.1187C>A, p.Thr396Asn (NM_001367669.1); c.1010C>A, p.Thr337Asn (NM_001367670.1, NM_001367660.1); c.1007C>A, p.Thr336Asn (NM_001367671.1, NM_001367662.1); c.1160C>A, p.Thr387Asn (NM_001367672.1, NM_001367633.1, NM_001367634.1 and 1 more transcripts); and 38 more; short protein forms T365N, T387N, T396N, T402N, T448N, T468N, T480N, T490N.
Identifiers: ClinVar variation 2083350 (VCV002083350.4), dbSNP rs766938748, ClinGen allele CA4112085.

ClinVar aggregate classification (germline): Uncertain significance (1 of 4 stars; one submission).

Conditions:
Emery-Dreifuss muscular dystrophy (EDMD). Also called: Scapuloperoneal syndrome, X-linked (formerly); Humeroperoneal neuromuscular disease, (formerly). Identifiers: Orphanet 261, MedGen C0410189, MONDO:0016830.

Allele frequency attached by ClinVar (database versions not stated): gnomAD exomes below 0.00001; ExAC 0.00001.
gnomAD v4.1: 4 of 1,613,776 alleles (0.00025%); highest among the groups gnomAD compares: African/African-American, 0.004%; no homozygotes.

Submission:

Labcorp Genetics (formerly Invitae), Labcorp
Classification: Uncertain significance for Emery-Dreifuss muscular dystrophy. Last evaluated: 2022-07-03. Review status: criteria provided, single submitter. Criteria: Invitae Variant Classification Sherloc (09022015). Collection method: clinical testing. Allele origin: germline.
Comment: In summary, the available evidence is currently insufficient to determine the role of this variant in disease. Therefore, it has been classified as a Variant of Uncertain Significance. Algorithms developed to predict the effect of missense changes on protein structure and function (SIFT, PolyPhen-2, Align-GVGD) all suggest that this variant is likely to be tolerated. This variant has not been reported in the literature in individuals affected with SUN1-related conditions. This variant is present in population databases (rs766938748, gnomAD 0.003%). This sequence change replaces threonine, which is neutral and polar, with asparagine, which is neutral and polar, at codon 387 of the SUN1 protein (p.Thr387Asn).